The following is an entry in ClinVar:

ClinVar aggregate classification (germline): Pathogenic/Likely pathogenic. Review status: criteria provided, multiple submitters, no conflicts (2 of 4 stars). 2 submissions from 2 submitters: Pathogenic (1); Likely pathogenic (1). Last evaluated 2025-10-15.

Conditions:
Marfan syndrome (MFS). Also called: MARFAN SYNDROME, TYPE I; Marfan syndrome type 1; Marfan's syndrome; Marfan syndrome, classic; FBN1-Related Marfan Syndrome. Identifiers: Orphanet 284963, Orphanet 558, MedGen C0024796, MONDO:0007947, OMIM 154700.
Familial thoracic aortic aneurysm and aortic dissection (TAAD). Also called: Thoracic aortic aneurysms and dissections. Identifiers: Orphanet 91387, MedGen C4707243, MONDO:0019625.

Submissions (2):

3billion
Classification: Likely pathogenic for Marfan syndrome. Last evaluated: 2025-10-15. Review status: criteria provided, single submitter. Criteria: ACMG Guidelines, 2015. Collection method: clinical testing. Allele origin: germline. Affected: yes.
Comment: The variant is not observed in the gnomAD v4.1.0 dataset. Predicted Consequence/Location: Missense variant In silico tool predictions suggest damaging effect of the variant on gene or gene product [REVEL: 0.94 (>=0.6, sensitivity 0.68 and specificity 0.92); 3Cnet: 0.99 (> 0.75, sensitivity 0.96 and precision 0.92)]. The same nucleotide change resulting in the same amino acid change has been previously reported to be associated with FBN1-related disorder (ClinVar ID: VCV003754056). Different missense changes at the same codon (p.Cys2061Arg, p.Cys2061Phe, p.Cys2061Ser) have been reported as pathogenic/likely pathogenic with strong evidence (ClinVar ID: VCV000549333 /PMID: 19293843, 19390640, 34456093). Therefore, this variant is classified as Likely pathogenic according to the recommendation of ACMG/AMP guideline.

Labcorp Genetics (formerly Invitae), Labcorp
Classification: Pathogenic for Marfan syndrome; Familial thoracic aortic aneurysm and aortic dissection. Last evaluated: 2024-05-31. Review status: criteria provided, single submitter. Criteria: Invitae Variant Classification Sherloc (09022015). Collection method: clinical testing. Allele origin: germline.
Comment: This sequence change replaces cysteine, which is neutral and slightly polar, with tyrosine, which is neutral and polar, at codon 2061 of the FBN1 protein (p.Cys2061Tyr). This variant is not present in population databases (gnomAD no frequency). This variant has not been reported in the literature in individuals affected with FBN1-related conditions. Advanced modeling of protein sequence and biophysical properties (such as structural, functional, and spatial information, amino acid conservation, physicochemical variation, residue mobility, and thermodynamic stability) performed at Invitae indicates that this missense variant is expected to disrupt FBN1 protein function with a positive predictive value of 95%. This variant affects a cysteine residue in the EGF-like, TGFBP or hybrid motif domains of FBN1. Cysteine residues are believed to be involved in intramolecular disulfide bridges and have been shown to be important for FBN1 protein structure (PMID: 16905551, 19349279). In addition, missense substitutions affecting cysteine residues within these domains are significantly overrepresented among patients with Marfan syndrome (PMID: 16571647, 17701892). This variant disrupts the p.Cys2061 amino acid residue in FBN1. Other variant(s) that disrupt this residue have been observed in individuals with FBN1-related conditions (PMID: 19293843, 19390640, 34456093), which suggests that this may be a clinically significant amino acid residue. For these reasons, this variant has been classified as Pathogenic.

Literature cited by the submitters: PubMed 19293843 (cited by 3billion and Labcorp Genetics (formerly Invitae), Labcorp); PubMed 16905551 (cited by Labcorp Genetics (formerly Invitae), Labcorp); PubMed 19349279 (cited by Labcorp Genetics (formerly Invitae), Labcorp); PubMed 16571647 (cited by Labcorp Genetics (formerly Invitae), Labcorp); PubMed 17701892 (cited by Labcorp Genetics (formerly Invitae), Labcorp); PubMed 19390640 (cited by Labcorp Genetics (formerly Invitae), Labcorp); PubMed 34456093 (cited by Labcorp Genetics (formerly Invitae), Labcorp).

NM_000138.5(FBN1):c.6182G>A (p.Cys2061Tyr)

Gene: FBN1 (fibrillin 1; minus strand). Cytogenetic location: 15q21.1.
Variant type: single nucleotide variant.
Coding change: c.6182G>A on transcript NM_000138.5 (MANE Select); coding-DNA position 6182, G replaced by A.
Protein change: p.Cys2061Tyr; replaces cysteine 2061 with tyrosine.
Molecular consequence: missense variant.
Genome position (GRCh38, 1-based): chr15:48,437,899, C>T on the plus strand (G>A on the coding strand, the complement: FBN1 is on the minus strand). VCF-style: chr15-48437899-C-T. GRCh37 (hg19) VCF-style: chr15-48730096-C-T.
Other names: c.6182G>A, p.Cys2061Tyr (NM_001406716.1); short protein forms C2061Y.
Identifiers: ClinVar variation 3754056 (VCV003754056.3).
Genomic context (GRCh38, chr15:48,437,899, plus strand): 5'-TGCTTGGAGTGATTTCTGGATTTGGGTGATGAACACTTTCCTCCTTCAAACTTCGCATAA[C>T]AGTAGCTCATTCGCAAATCTGCAGCATAAATTTATGACACCCTTCAGTTGCTTTCCTACT-3'
Protein context (NP_000129.3, residues 2051-2071): RRCQDLRMSY[Cys2061Tyr]YAKFEGGKCS